The following is an entry in ClinVar:

NM_000455.5(STK11):c.913C>A (p.Gln305Lys)

Gene: STK11 (serine/threonine kinase 11; plus strand). Cytogenetic location: 19p13.3.
Variant type: single nucleotide variant.
Coding change: c.913C>A on transcript NM_000455.5 (MANE Select); coding-DNA position 913, C replaced by A.
Protein change: p.Gln305Lys; replaces glutamine 305 with lysine.
Molecular consequence: missense variant.
Genome position (GRCh38, 1-based): chr19:1,221,999, C>A. VCF-style: chr19-1221999-C-A. GRCh37 (hg19) VCF-style: chr19-1221998-C-A.
Other names: short protein forms Q305K.
Identifiers: ClinVar variation 926936 (VCV000926936.4), dbSNP rs1131690945, ClinGen allele CA402951312.

ClinVar aggregate classification (germline): Uncertain significance (1 of 4 stars; one submission).

Conditions:
Hereditary cancer-predisposing syndrome. Also called: Neoplastic Syndromes, Hereditary; Tumor predisposition; Hereditary Cancer Syndrome; Hereditary neoplastic syndrome. Identifiers: Orphanet 140162, MedGen C0027672, MeSH D009386, MONDO:0015356.

Submission:

Color Diagnostics, LLC DBA Color Health
Classification: Uncertain significance for Hereditary cancer-predisposing syndrome. Last evaluated: 2024-03-06. Review status: criteria provided, single submitter. Criteria: ACMG Guidelines, 2015. Collection method: clinical testing. Allele origin: germline.
Comment: This missense variant replaces glutamine with lysine at codon 305 of the STK11 protein. Computational prediction tool suggests that this variant may not impact protein structure and function (internally defined REVEL score threshold <=0.5, PMID: 27666373). Splice site prediction tools suggest that this variant may not impact RNA splicing. To our knowledge, functional studies have not been performed for this variant. This variant has not been reported in individuals affected with hereditary cancer in the literature. This variant has not been identified in the general population by the Genome Aggregation Database (gnomAD). The available evidence is insufficient to determine the role of this variant in disease conclusively. Therefore, this variant is classified as a Variant of Uncertain Significance.